The following is an entry in ClinVar:

ClinVar aggregate classification (germline): Uncertain significance. Review status: criteria provided, multiple submitters, no conflicts (2 of 4 stars). 2 submissions from 2 submitters: Uncertain significance (2). Last evaluated 2025-08-05.

Conditions:
Inborn genetic diseases. Identifiers: MedGen C0950123, MeSH D030342.
Severe combined immunodeficiency due to IKK2 deficiency. Also called: Immunodeficiency 15; IMMUNODEFICIENCY 15B. Identifiers: Orphanet 397787, MedGen C4747743, MONDO:0014267, OMIM 615592.

Allele frequency attached by ClinVar (database versions not stated): gnomAD 0.00013 and 0.00012; ESP Exome Variant Server 0.00023; TOPMed 0.00007; 1000 Genomes Project 30x 0.00016; 1000 Genomes Project 0.00020.
gnomAD v4.1: 32 of 1,611,186 alleles (0.002%); highest among the groups gnomAD compares: African/African-American, 0.039%; 1 homozygote.

Submissions (2):

Ambry Genetics
Classification: Uncertain significance for Inborn genetic diseases. Last evaluated: 2025-08-05. Review status: criteria provided, single submitter. Criteria: Ambry Variant Classification Scheme 2023. Collection method: clinical testing. Allele origin: germline.

Labcorp Genetics (formerly Invitae), Labcorp
Classification: Uncertain significance for Severe combined immunodeficiency due to IKK2 deficiency. Last evaluated: 2024-12-09. Review status: criteria provided, single submitter. Criteria: Invitae Variant Classification Sherloc (09022015). Collection method: clinical testing. Allele origin: germline.
Comment: This sequence change replaces histidine, which is basic and polar, with arginine, which is basic and polar, at codon 313 of the IKBKB protein (p.His313Arg). This variant is present in population databases (rs141351312, gnomAD 0.05%). This variant has not been reported in the literature in individuals affected with IKBKB-related conditions. ClinVar contains an entry for this variant (Variation ID: 568054). Invitae Evidence Modeling of protein sequence and biophysical properties (such as structural, functional, and spatial information, amino acid conservation, physicochemical variation, residue mobility, and thermodynamic stability) indicates that this missense variant is not expected to disrupt IKBKB protein function with a negative predictive value of 95%. In summary, the available evidence is currently insufficient to determine the role of this variant in disease. Therefore, it has been classified as a Variant of Uncertain Significance.

NM_001556.3(IKBKB):c.938A>G (p.His313Arg)

Gene: IKBKB (inhibitor of nuclear factor kappa B kinase subunit beta; plus strand). Cytogenetic location: 8p11.21.
Variant type: single nucleotide variant.
Coding change: c.938A>G on transcript NM_001556.3 (MANE Select); coding-DNA position 938, A replaced by G.
Protein change: p.His313Arg; replaces histidine 313 with arginine.
Molecular consequence: missense variant. On other transcripts: non-coding transcript variant (3).
Genome position (GRCh38, 1-based): chr8:42,316,717, A>G. VCF-style: chr8-42316717-A-G. GRCh37 (hg19) VCF-style: chr8-42174235-A-G.
Other names: c.746A>G, p.His249Arg (NM_001190720.3); c.761A>G, p.His254Arg (NM_001242778.2); short protein forms H313R, H254R, H249R.
Identifiers: ClinVar variation 568054 (VCV000568054.11), dbSNP rs141351312, ClinGen allele CA4731849.
Genomic context (GRCh38, chr8:42,316,717, plus strand): 5'-GGGCATTTCCTTGAAGAAATCGGTTTTCCAGTAACATCTGGGTTGTGTTGCAGCTGGTTC[A>G]TATCTTGAACATGGTCACGGGCACCATCCACACCTACCCTGTGACAGAGGATGAGAGTCT-3'
Protein context (NP_001547.1, residues 303-323): LDDILNLKLV[His313Arg]ILNMVTGTIH